The following is an entry in ClinVar:

NM_032808.7(LINGO1):c.1008C>T (p.Tyr336=)

Gene: LINGO1 (leucine rich repeat and Ig domain containing 1; minus strand). Cytogenetic location: 15q24.3.
Variant type: single nucleotide variant.
Coding change: c.1008C>T on transcript NM_032808.7 (MANE Select); coding-DNA position 1008, C replaced by T.
Protein change: p.Tyr336=; no amino-acid change (tyrosine 336 retained).
Molecular consequence: synonymous variant.
Genome position (GRCh38, 1-based): chr15:77,614,899, G>A on the plus strand (C>T on the coding strand, the complement: LINGO1 is on the minus strand). VCF-style: chr15-77614899-G-A. GRCh37 (hg19) VCF-style: chr15-77907241-G-A.
Other names: c.990C>T, p.Tyr330= (NM_001301186.2, NM_001301187.2, NM_001301189.2 and 8 more transcripts).
Identifiers: ClinVar variation 3057691 (VCV003057691.2), dbSNP rs375759643, ClinGen allele CA7677870.
Genomic context (GRCh38, chr15:77,614,899, plus strand): 5'-GTGGAAGACTGATTCCTCCAGTGTGGTCAGCTGGTTGCCAGAGACATTGAGCACGCGCAG[G>A]TAGTTGAGGCCGCGGAAGGCATAGGGCTCCACCACGGCCAGCTGCCCGCCCACCAGCTGG-3'
Protein context (NP_116197.4, residues 326-346): VEPYAFRGLN[Tyr336=]LRVLNVSGNQ

ClinVar aggregate classification (germline): Likely benign (0 of 4 stars; one submission).

Conditions:
LINGO1-related disorder. Also called: LINGO1-related condition.

Allele frequency attached by ClinVar (database versions not stated): ESP Exome Variant Server 0.00008; gnomAD exomes 0.00020; gnomAD 0.00022; ExAC 0.00025; TOPMed 0.00026.
gnomAD v4.1: 349 of 1,613,884 alleles (0.022%); highest among the groups gnomAD compares: Middle Eastern, 0.033%; no homozygotes.

Submission:

PreventionGenetics, part of Exact Sciences
Classification: Likely benign for LINGO1-related condition. Last evaluated: 2019-03-12. Review status: no assertion criteria provided. Collection method: clinical testing. Allele origin: germline.
Comment: This variant is classified as likely benign based on ACMG/AMP sequence variant interpretation guidelines (Richards et al. 2015 PMID: 25741868, with internal and published modifications).